The following is an entry in ClinVar:

ClinVar aggregate classification (germline): Uncertain significance (1 of 4 stars; one submission).

Conditions:
Mucopolysaccharidosis type 1. Also called: IDUA deficiency; MPS I; Mucopolysaccharidosis Type I. Identifiers: Orphanet 579, MedGen C0023786, MONDO:0001586.

Allele frequency attached by ClinVar (database versions not stated): TOPMed below 0.00001; gnomAD 0.00001.
gnomAD v4.1: 1 of 1,611,522 alleles (0.000062%); highest among the groups gnomAD compares: African/African-American, 0.0013%; no homozygotes.

Submission:

Labcorp Genetics (formerly Invitae), Labcorp
Classification: Uncertain significance for Mucopolysaccharidosis type 1. Last evaluated: 2023-07-21. Review status: criteria provided, single submitter. Criteria: Invitae Variant Classification Sherloc (09022015). Collection method: clinical testing. Allele origin: germline.
Comment: In summary, the available evidence is currently insufficient to determine the role of this variant in disease. Therefore, it has been classified as a Variant of Uncertain Significance. Algorithms developed to predict the effect of sequence changes on RNA splicing suggest that this variant may create or strengthen a splice site. Algorithms developed to predict the effect of missense changes on protein structure and function output the following: SIFT: "Not Available"; PolyPhen-2: "Benign"; Align-GVGD: "Not Available". The serine amino acid residue is found in multiple mammalian species, which suggests that this missense change does not adversely affect protein function. ClinVar contains an entry for this variant (Variation ID: 1399243). This variant has not been reported in the literature in individuals affected with IDUA-related conditions. This variant is not present in population databases (gnomAD no frequency). This sequence change replaces arginine, which is basic and polar, with serine, which is neutral and polar, at codon 100 of the IDUA protein (p.Arg100Ser).

NM_000203.5(IDUA):c.300G>T (p.Arg100Ser)

Gene: IDUA (alpha-L-iduronidase; plus strand). Cytogenetic location: 4p16.3.
Variant type: single nucleotide variant.
Coding change: c.300G>T on transcript NM_000203.5 (MANE Select); coding-DNA position 300, G replaced by T.
Protein change: p.Arg100Ser; replaces arginine 100 with serine.
Molecular consequence: missense variant. On other transcripts: 5 prime UTR variant (1), non-coding transcript variant (1).
Genome position (GRCh38, 1-based): chr4:1,000,612, G>T. VCF-style: chr4-1000612-G-T. GRCh37 (hg19) VCF-style: chr4-994400-G-T.
Other names: c.-97G>T (NM_001363576.1); short protein forms R100S.
Identifiers: ClinVar variation 1399243 (VCV001399243.8), dbSNP rs1340970137, ClinGen allele CA355960973.